The following is an entry in ClinVar:

NM_004409.5(DMPK):c.*224CTG[563]

Genes: DM1-AS (DM1 locus antisense RNA; plus strand), DMPK (DM1 protein kinase; minus strand), LOC107075317 (origin of replication in DMPK trinucleotide repeat region; plus strand), LOC109461477 (dystrophia myotonica protein kinase repeat instability region; plus strand). Cytogenetic location: 19q13.32.
Variant type: Microsatellite.
Coding change: c.*224CTG[563] on transcript NM_004409.5 (MANE Select); 563 copies in a row of the 3-base unit CTG starting at c.*224.
Molecular consequence: 3 prime UTR variant.
Genome position: GRCh38, VCF-style position (the base before the change): chr19:45,770,204. GRCh37 (hg19), VCF-style position (the base before the change): chr19:46,273,462.
Other names: DM1 CTG repeat expansion; c.*369CTG[563] (NM_001424164.1, NM_001288766.2, NM_001424168.1); c.*224CTG[563] (NM_001424165.1, NM_001288764.2, NM_001424169.1 and 1 more transcripts); c.*222_*224TGC[563] (NM_001081563.3); c.*217CTG[563] (NM_001288765.2, NM_001424162.1, NM_001424163.1 and 2 more transcripts).
Identifiers: ClinVar variation 188006 (VCV000188006.1), ClinGen allele CA915951830.

ClinVar aggregate classification (germline): Pathogenic (0 of 4 stars; one submission).

Conditions:
Steinert myotonic dystrophy syndrome (DM1). Also called: STEINERT DISEASE; Myotonic dystrophy type 1; Dystrophia myotonica type 1; Steinert myotonic dystrophy; Steinert's disease. Identifiers: Orphanet 273, MedGen C3250443, MONDO:0008056, OMIM 160900.

Submission:

Institute of Molecular, Cell and Systems Biology, University of Glasgow
Classification: Pathogenic for Steinert myotonic dystrophy syndrome. Review status: no assertion criteria provided. Criteria: research. Collection method: research. Allele origin: germline. Inheritance: Autosomal dominant inheritance. Affected: yes. Observed: 1 heterozygote.
Comment: DMPK CTG repeat expansions greater than approximately 45-50 repeats are assumed to be pathogenic

This record is based on data published in PubMed 25052313, which reports only ClinVar accessions SCV000120188 and SCV000120189. The complete data set includes SCV000207445 - SCV000207579.

Literature cited by the submitters: PubMed 1346923; PubMed 1546326; PubMed 25052313.